The following is an entry in ClinVar:

ClinVar aggregate classification (germline): Conflicting classifications of pathogenicity. Review status: criteria provided, conflicting classifications (1 of 4 stars). 2 submissions from 2 submitters: Uncertain significance (1); Likely benign (1). Last evaluated 2025-12-14.

Conditions:
Inborn genetic diseases. Identifiers: MedGen C0950123, MeSH D030342.

gnomAD v4.1: 79 of 1,577,032 alleles (0.005%); highest among the groups gnomAD compares: Admixed American, 0.044%; 1 homozygote.

Submissions (2):

Mayo Clinic Laboratories, Mayo Clinic
Classification: Likely benign. Last evaluated: 2025-12-14. Review status: criteria provided, single submitter. Criteria: ACMG Guidelines, 2015. Collection method: clinical testing. Allele origin: germline. Observed: 1 variant allele.
Comment: BS2, BP4_moderate

Ambry Genetics
Classification: Uncertain significance for Inborn genetic diseases. Last evaluated: 2024-05-01. Review status: criteria provided, single submitter. Criteria: Ambry Variant Classification Scheme 2023. Collection method: clinical testing. Allele origin: germline.

NM_002608.4(PDGFB):c.434A>G (p.Gln145Arg)

Gene: PDGFB (platelet derived growth factor subunit B; minus strand). Cytogenetic location: 22q13.1.
Variant type: single nucleotide variant.
Coding change: c.434A>G on transcript NM_002608.4 (MANE Select); coding-DNA position 434, A replaced by G.
Protein change: p.Gln145Arg; replaces glutamine 145 with arginine.
Molecular consequence: missense variant.
Genome position (GRCh38, 1-based): chr22:39,231,644, T>C on the plus strand (A>G on the coding strand, the complement: PDGFB is on the minus strand). VCF-style: chr22-39231644-T-C. GRCh37 (hg19) VCF-style: chr22-39627649-T-C.
Other names: p.Gln145Arg; c.389A>G, p.Gln130Arg (NM_033016.3); short protein forms Q145R, Q130R.
Identifiers: ClinVar variation 3305447 (VCV003305447.2).